The following is an entry in ClinVar:

NM_001909.5(CTSD):c.1142del (p.Pro381fs)

Gene: CTSD (cathepsin D; minus strand). Cytogenetic location: 11p15.5.
Variant type: Deletion.
Coding change: c.1142del on transcript NM_001909.5 (MANE Select); coding-DNA position 1142, one base deleted (C; older notation c.1142delC).
Protein change: p.Pro381fs; shifts the reading frame from proline 381.
Molecular consequence: frameshift variant.
Genome position (GRCh38, 1-based): chr11:1,753,600, G deleted on the plus strand (C on the coding strand, the reverse complement: CTSD is on the minus strand); the first of 2 consecutive G bases (chr11:1,753,600-1,753,601); deleting either gives the same sequence. VCF-style (leftmost placement, unchanged base first): chr11-1753599-TG-T. GRCh37 (hg19) VCF-style: chr11-1774829-TG-T.
Other names: short protein forms P381fs.
Identifiers: ClinVar variation 2130707 (VCV002130707.5), dbSNP rs2493816019, ClinGen allele CA2574736128.

ClinVar aggregate classification (germline): Uncertain significance. Review status: criteria provided, multiple submitters, no conflicts (2 of 4 stars). 2 submissions from 2 submitters: Uncertain significance (2). Last evaluated 2022-04-25.

Conditions:
Neuronal ceroid lipofuscinosis. Also called: Neuronal Ceroid Lipofuscinoses. Identifiers: Orphanet 216, Orphanet 79263, MedGen C0027877, MONDO:0016295. Disease mechanism: loss of function.

Submissions (2):

Labcorp Genetics (formerly Invitae), Labcorp
Classification: Uncertain significance for Neuronal ceroid lipofuscinosis. Last evaluated: 2022-04-25. Review status: criteria provided, single submitter. Criteria: Invitae Variant Classification Sherloc (09022015). Collection method: clinical testing. Allele origin: germline.
Comment: This variant disrupts a region of the CTSD protein in which other variant(s) (p.Trp383Cys) have been observed in individuals with CTSD-related conditions (PMID: 16685649). This suggests that this is a clinically significant region of the protein, and that variants that disrupt it are likely to be disease-causing. This sequence change results in a frameshift in the CTSD gene (p.Pro381Hisfs*110). While this is not anticipated to result in nonsense mediated decay, it is expected to disrupt the last 32 amino acid(s) of the CTSD protein and extend the protein by 77 additional amino acid residues. This variant is not present in population databases (gnomAD no frequency). This variant has not been reported in the literature in individuals affected with CTSD-related conditions. In summary, the available evidence is currently insufficient to determine the role of this variant in disease. Therefore, it has been classified as a Variant of Uncertain Significance.

Blueprint Genetics
Classification: Uncertain significance. Last evaluated: 2021-09-22. Review status: criteria provided, single submitter. Criteria: ACMG Guidelines, 2015. Collection method: clinical testing. Allele origin: germline.

Literature cited by the submitters: PubMed 16685649 (cited by Labcorp Genetics (formerly Invitae), Labcorp).